The following is an entry in ClinVar:

ClinVar aggregate classification (germline): Uncertain significance (1 of 4 stars; one submission).

Submission:

Labcorp Genetics (formerly Invitae), Labcorp
Classification: Uncertain significance. Last evaluated: 2025-04-29. Review status: criteria provided, single submitter. Criteria: Invitae Variant Classification Sherloc (09022015). Collection method: clinical testing. Allele origin: germline.
Comment: This sequence change replaces glutamine, which is neutral and polar, with arginine, which is basic and polar, at codon 50 of the NPPC protein (p.Gln50Arg). This variant is present in population databases (rs758019871, gnomAD 0.004%). This variant has not been reported in the literature in individuals affected with NPPC-related conditions. An algorithm developed to predict the effect of missense changes on protein structure and function (PolyPhen-2) suggests that this variant is likely to be tolerated. In summary, the available evidence is currently insufficient to determine the role of this variant in disease. Therefore, it has been classified as a Variant of Uncertain Significance.

NM_024409.4(NPPC):c.149A>G (p.Gln50Arg)

Gene: NPPC (natriuretic peptide C; minus strand). Cytogenetic location: 2q37.1.
Variant type: single nucleotide variant.
Coding change: c.149A>G on transcript NM_024409.4 (MANE Select); coding-DNA position 149, A replaced by G.
Protein change: p.Gln50Arg; replaces glutamine 50 with arginine.
Molecular consequence: missense variant.
Genome position (GRCh38, 1-based): chr2:231,925,657, T>C on the plus strand (A>G on the coding strand, the complement: NPPC is on the minus strand). VCF-style: chr2-231925657-T-C. GRCh37 (hg19) VCF-style: chr2-232790367-T-C.
Other names: short protein forms Q50R.
Identifiers: ClinVar variation 4753370 (VCV004753370.1).